The following is an entry in ClinVar:

NM_000382.3(ALDH3A2):c.471+6A>T

Gene: ALDH3A2 (aldehyde dehydrogenase 3 family member A2; plus strand). Cytogenetic location: 17p11.2.
Variant type: single nucleotide variant.
Coding change: c.471+6A>T on transcript NM_000382.3 (MANE Select); 6 bases into the intron after coding-DNA position 471, A replaced by T.
Molecular consequence: intron variant.
Genome position (GRCh38, 1-based): chr17:19,652,638, A>T. VCF-style: chr17-19652638-A-T. GRCh37 (hg19) VCF-style: chr17-19555951-A-T.
Other names: c.-218+6A>T (NM_001369148.2); c.471+6A>T (NM_001369137.2, NM_001369138.2, NM_001369146.2 and 3 more transcripts).
Identifiers: ClinVar variation 2192006 (VCV002192006.3), dbSNP rs918700042, ClinGen allele CA288540502.

ClinVar aggregate classification (germline): Uncertain significance (1 of 4 stars; one submission).

Allele frequency attached by ClinVar (database versions not stated): TOPMed 0.00001.
gnomAD v4.1: 1 of 1,605,702 alleles (0.000062%); highest among the groups gnomAD compares: Admixed American, 0.0017%; no homozygotes.

Submission:

Labcorp Genetics (formerly Invitae), Labcorp
Classification: Uncertain significance. Last evaluated: 2023-12-11. Review status: criteria provided, single submitter. Criteria: Invitae Variant Classification Sherloc (09022015). Collection method: clinical testing. Allele origin: germline.
Comment: This sequence change falls in intron 3 of the ALDH3A2 gene. It does not directly change the encoded amino acid sequence of the ALDH3A2 protein. It affects a nucleotide within the consensus splice site. This variant is present in population databases (no rsID available, gnomAD 0.003%). This variant has not been reported in the literature in individuals affected with ALDH3A2-related conditions. ClinVar contains an entry for this variant (Variation ID: 2192006). Variants that disrupt the consensus splice site are a relatively common cause of aberrant splicing (PMID: 17576681, 9536098). Algorithms developed to predict the effect of sequence changes on RNA splicing suggest that this variant is not likely to affect RNA splicing. In summary, the available evidence is currently insufficient to determine the role of this variant in disease. Therefore, it has been classified as a Variant of Uncertain Significance.

Literature cited by the submitters: PubMed 17576681; PubMed 9536098.